The following is an entry in ClinVar:

ClinVar aggregate classification (germline): Uncertain significance (1 of 4 stars; one submission).

Allele frequency attached by ClinVar (database versions not stated): gnomAD exomes below 0.00001; gnomAD 0.00001.
gnomAD v4.1: 2 of 1,614,114 alleles (0.00012%); highest among the groups gnomAD compares: Non-Finnish European, 0.00017%; no homozygotes.

Submission:

GeneDx
Classification: Uncertain significance. Last evaluated: 2022-04-14. Review status: criteria provided, single submitter. Criteria: GeneDx Variant Classification Process June 2021. Collection method: clinical testing. Allele origin: germline. Affected: yes.
Comment: Not observed at significant frequency in large population cohorts (gnomAD); In silico analysis supports that this missense variant does not alter protein structure/function; Has not been previously published as pathogenic or benign to our knowledge

NM_001005273.3(CHD3):c.5957A>G (p.Asp1986Gly)

Gene: CHD3 (chromodomain helicase DNA binding protein 3; plus strand). Cytogenetic location: 17p13.1.
Variant type: single nucleotide variant.
Coding change: c.5957A>G on transcript NM_001005273.3 (MANE Select); coding-DNA position 5957, A replaced by G.
Protein change: p.Asp1986Gly; replaces aspartic acid 1986 with glycine.
Molecular consequence: missense variant.
Genome position (GRCh38, 1-based): chr17:7,911,539, A>G. VCF-style: chr17-7911539-A-G. GRCh37 (hg19) VCF-style: chr17-7814857-A-G.
Other names: c.6134A>G, p.Asp2045Gly (NM_001005271.3); c.5855A>G, p.Asp1952Gly (NM_005852.4); short protein forms D1952G, D1986G, D2045G.
Identifiers: ClinVar variation 1710782 (VCV001710782.2), dbSNP rs1971668049, ClinGen allele CA397952100.
Genomic context (GRCh38, chr17:7,911,539, plus strand): 5'-CTCCAGTGCTTGTGAAGAAGGAGAAGGAAATGGTGGGGGCATTGGTGTCAGACGGGCTGG[A>G]TCGGAAGGAGCCCCGAGCCGGGGAGGTGATCTGTATAGACGACTGACTGGATCCCAGGCC-3'
Protein context (NP_001005273.1, residues 1976-1996): MVGALVSDGL[Asp1986Gly]RKEPRAGEVI